The following is an entry in ClinVar:

ClinVar aggregate classification (germline): Likely pathogenic (1 of 4 stars; one submission).

Conditions:
Developmental and epileptic encephalopathy, 27 (DEE27). Also called: GRIN2B-Related Neurodevelopmental Disorder; Epileptic encephalopathy, early infantile, 27. Identifiers: Orphanet 3451, MedGen C4015316, MONDO:0014505, OMIM 616139.

Submission:

Rare Disease Center, Seoul National University Hospital
Classification: Likely pathogenic for Developmental and epileptic encephalopathy, 27. Last evaluated: 2025-03-23. Review status: criteria provided, single submitter. Criteria: ACMG Guidelines, 2015. Collection method: provider interpretation. Allele origin: de novo. Affected: yes. Observed: 1 variant allele.
Comment: In addition, this variant is not present in population databases (gnomAD). Note: This variant was found in clinical genetic testing performed by one or more labs who may also submit to ClinVar. Therefore, any internal case data may overlap with the internal case data of other submitters. The classification and rationale are that of the Rare Disease Center, Seoul National University Hospital

NM_000834.5(GRIN2B):c.2503_2511del (p.Thr835_Ile837del)

Gene: GRIN2B (glutamate ionotropic receptor NMDA type subunit 2B; minus strand). Cytogenetic location: 12p13.1.
Variant type: Deletion.
Coding change: c.2503_2511del on transcript NM_000834.5 (MANE Select); coding-DNA positions 2503 to 2511, 9 bases deleted (ACCTTCATC; older notation c.2503_2511delACCTTCATC).
Protein change: p.Thr835_Ile837del.
Molecular consequence: inframe deletion.
Genome position (GRCh38, 1-based): chr12:13,567,112-13,567,120, GATGAAGGT deleted on the plus strand (ACCTTCATC on the coding strand, the reverse complement: GRIN2B is on the minus strand); deleting any 9 consecutive bases within chr12:13,567,112-13,567,125 gives the same sequence; the c. name uses the placement nearest the transcript's 3' end. VCF-style (leftmost placement, unchanged base first): chr12-13567111-AGATGAAGGT-A. GRCh37 (hg19) VCF-style: chr12-13720045-AGATGAAGGT-A.
Other names: c.2503_2511del, p.Thr835_Ile837del (NM_001413992.1).
Identifiers: ClinVar variation 3901879 (VCV003901879.1).